The following is an entry in ClinVar:

ClinVar aggregate classification (germline): Pathogenic. Review status: criteria provided, multiple submitters, no conflicts (2 of 4 stars). 2 submissions from 2 submitters: Pathogenic (2). Last evaluated 2024-01-30.

Conditions:
Familial cancer of breast. Also called: BREAST CANCER, FAMILIAL; Hereditary breast cancer; hereditary breast carcinoma. Identifiers: Orphanet 227535, MedGen C0346153, MONDO:0016419, OMIM 114480. Disease mechanism: loss of function.
Hereditary cancer-predisposing syndrome. Also called: Hereditary Cancer Syndrome; Hereditary neoplastic syndrome; Neoplastic Syndromes, Hereditary; Tumor predisposition. Identifiers: Orphanet 140162, MedGen C0027672, MeSH D009386, MONDO:0015356.

Submissions (2):

Myriad Genetics, Inc.
Classification: Pathogenic for Familial cancer of breast. Last evaluated: 2024-01-30. Review status: criteria provided, single submitter. Criteria: Myriad Autosomal Dominant, Autosomal Recessive and X-Linked Classification Criteria (2023). Collection method: clinical testing. Allele origin: unknown.
Comment: This variant is considered pathogenic. This variant creates a frameshift predicted to result in premature protein truncation.

Ambry Genetics
Classification: Pathogenic for Hereditary cancer-predisposing syndrome. Last evaluated: 2023-04-21. Review status: criteria provided, single submitter. Criteria: Ambry Variant Classification Scheme 2023. Collection method: clinical testing. Allele origin: germline.
Comment: The c.6894delA pathogenic mutation, located in coding exon 46 of the ATM gene, results from a deletion of one nucleotide at nucleotide position 6894, causing a translational frameshift with a predicted alternate stop codon (p.F2299Sfs*11). This variant is considered to be rare based on population cohorts in the Genome Aggregation Database (gnomAD). This alteration is expected to result in loss of function by premature protein truncation or nonsense-mediated mRNA decay. As such, this alteration is interpreted as a disease-causing mutation.

NM_000051.4(ATM):c.6894del (p.Phe2299fs)

Genes: ATM (ATM serine/threonine kinase; plus strand), C11orf65 (chromosome 11 open reading frame 65; minus strand). Cytogenetic location: 11q22.3.
Variant type: Deletion.
Coding change: c.6894del on transcript NM_000051.4 (MANE Select); coding-DNA position 6894, one base deleted (A; older notation c.6894delA).
Protein change: p.Phe2299fs; shifts the reading frame from phenylalanine 2299.
Molecular consequence: frameshift variant. On other transcripts: intron variant (2).
Genome position (GRCh38, 1-based): chr11:108,326,144, A deleted. VCF-style (leftmost placement, unchanged base first): chr11-108326143-TA-T. GRCh37 (hg19) VCF-style: chr11-108196870-TA-T.
Other names: c.6894del, p.Phe2299fs (NM_001351834.2); c.641-17073del (NM_001330368.2); c.*38+9076del (NM_001351110.2); short protein forms F2299fs.
Identifiers: ClinVar variation 2568187 (VCV002568187.2), dbSNP rs2547217302, ClinGen allele CA2580615058.